The following is an entry in ClinVar:

ClinVar aggregate classification (germline): Uncertain significance (0 of 4 stars; one submission).

Conditions:
EP300-related disorder. Also called: EP300-related disorders; EP300-related condition.

Submission:

PreventionGenetics, part of Exact Sciences
Classification: Uncertain significance for EP300-related condition. Last evaluated: 2024-01-23. Review status: no assertion criteria provided. Collection method: clinical testing. Allele origin: germline.
Comment: The EP300 c.2857A>T variant is predicted to result in the amino acid substitution p.Asn953Tyr. To our knowledge, this variant has not been reported in the literature or in a large population database, indicating this variant is rare. At this time, the clinical significance of this variant is uncertain due to the absence of conclusive functional and genetic evidence.

NM_001429.4(EP300):c.2857A>T (p.Asn953Tyr)

Genes: EP300 (E1A binding protein p300; plus strand), LOC126863158 (BRD4-independent group 4 enhancer GRCh37_chr22:41547383-41548582; plus strand). Cytogenetic location: 22q13.2.
Variant type: single nucleotide variant.
Coding change: c.2857A>T on transcript NM_001429.4 (MANE Select); coding-DNA position 2857, A replaced by T.
Protein change: p.Asn953Tyr; replaces asparagine 953 with tyrosine.
Molecular consequence: missense variant.
Genome position (GRCh38, 1-based): chr22:41,151,872, A>T. VCF-style: chr22-41151872-A-T. GRCh37 (hg19) VCF-style: chr22-41547876-A-T.
Other names: c.2779A>T, p.Asn927Tyr (NM_001362843.2); short protein forms N927Y, N953Y.
Identifiers: ClinVar variation 3348461 (VCV003348461.1).